The following is an entry in ClinVar:

NM_004006.3(DMD):c.9249_9250delinsAC (p.Trp3083_Asp3084delinsTer)

Gene: DMD (dystrophin; minus strand). Cytogenetic location: Xp21.2.
Variant type: Indel.
Coding change: c.9249_9250delinsAC on transcript NM_004006.3 (MANE Select); coding-DNA positions 9249 to 9250, GG replaced by AC.
Protein change: p.Trp3083_Asp3084delinsTer.
Molecular consequence: nonsense.
Genome position (GRCh38, 1-based): chrX:31,260,991-31,260,992, CC replaced by GT on the plus strand (GG replaced by AC on the coding strand, the reverse complement: DMD is on the minus strand). VCF-style: chrX-31260991-CC-GT. GRCh37 (hg19) VCF-style: chrX-31279108-CC-GT.
Other names: c.9225_9226delinsAC, p.Trp3075_Asp3076delinsTer (NM_000109.4); c.9237_9238delinsAC, p.Trp3079_Asp3080delinsTer (NM_004009.3); c.8880_8881delinsAC, p.Trp2960_Asp2961delinsTer (NM_004010.3); c.5226_5227delinsAC, p.Trp1742_Asp1743delinsTer (NM_004011.4); c.5217_5218delinsAC, p.Trp1739_Asp1740delinsTer (NM_004012.4); c.1869_1870delinsAC, p.Trp623_Asp624delinsTer (NM_004013.3, NM_004020.4, NM_004021.3 and 2 more transcripts); c.1062_1063delinsAC, p.Trp354_Asp355delinsTer (NM_004014.3); c.45_46delinsAC, p.Trp15_Asp16delinsTer (NM_004015.3, NM_004016.3, NM_004017.3 and 2 more transcripts); short protein forms W3083*.
Identifiers: ClinVar variation 2835089 (VCV002835089.3), dbSNP rs2519148209, ClinGen allele CA2739268161.

ClinVar aggregate classification (germline): Pathogenic (1 of 4 stars; one submission).

Conditions:
Duchenne muscular dystrophy (DMD). Also called: MUSCULAR DYSTROPHY, PSEUDOHYPERTROPHIC PROGRESSIVE, DUCHENNE TYPE; Duchenne Muscular Dystrophy (DMD). Identifiers: Orphanet 98896, MedGen C0013264, MONDO:0010679, OMIM 310200.

Submission:

Labcorp Genetics (formerly Invitae), Labcorp
Classification: Pathogenic for Duchenne muscular dystrophy. Last evaluated: 2023-02-06. Review status: criteria provided, single submitter. Criteria: Invitae Variant Classification Sherloc (09022015). Collection method: clinical testing. Allele origin: germline.
Comment: This sequence change creates a premature translational stop signal (p.Trp3083*) in the DMD gene. It is expected to result in an absent or disrupted protein product. Loss-of-function variants in DMD are known to be pathogenic (PMID: 16770791, 25007885). Information on the frequency of this variant in the gnomAD database is not available, as this variant may be reported differently in the database. This premature translational stop signal has been observed in individuals with DMD-related conditions (PMID: 27593222, 33420945). For these reasons, this variant has been classified as Pathogenic.

Literature cited by the submitters: PubMed 16770791; PubMed 25007885; PubMed 27593222; PubMed 33420945.